The following is an entry in ClinVar:

NC_000008.10:g.(?_19276147)_(19316173_?)del

Gene: CSGALNACT1 (chondroitin sulfate N-acetylgalactosaminyltransferase 1; minus strand). Cytogenetic location: 8p21.3.
Variant type: Deletion.
Identifiers: ClinVar variation 2423790 (VCV002423790.3).

ClinVar aggregate classification (germline): Pathogenic (1 of 4 stars; one submission).

Submission:

Labcorp Genetics (formerly Invitae), Labcorp
Classification: Pathogenic. Last evaluated: 2022-01-17. Review status: criteria provided, single submitter. Criteria: Invitae Variant Classification Sherloc (09022015). Collection method: clinical testing. Allele origin: germline.
Comment: For these reasons, this variant has been classified as Pathogenic. A similar copy number variant has been observed in individual(s) with CSGALNACT1-related conditions (PMID: 27599773). This variant is a gross deletion of the genomic region encompassing exon(s) 5-8 of the CSGALNACT1 gene. This deletion is out-of-frame, and is expected to create a premature termination codon and result in an absent or disrupted protein product. Loss-of-function variants in CSGALNACT1 are known to be pathogenic (PMID: 21148564, 27599773, 31325655).

Literature cited by the submitters: PubMed 27599773; PubMed 21148564; PubMed 31325655.